The following is an entry in ClinVar:

ClinVar aggregate classification (germline): Pathogenic. Review status: criteria provided, single submitter (1 of 4 stars). 3 submissions from 3 submitters: Pathogenic (1). 2 of the submissions do not count toward it. Last evaluated 2023-10-13.

Submissions (3):

Labcorp Genetics (formerly Invitae), Labcorp
Classification: Pathogenic. Last evaluated: 2023-10-13. Review status: criteria provided, single submitter. Criteria: Invitae Variant Classification Sherloc (09022015). Collection method: clinical testing. Allele origin: germline.
Comment: This sequence change creates a premature translational stop signal (p.Tyr892Serfs*21) in the ACE gene. It is expected to result in an absent or disrupted protein product. Loss-of-function variants in ACE are known to be pathogenic (PMID: 22095942). This variant is not present in population databases (gnomAD no frequency). This variant has not been reported in the literature in individuals affected with ACE-related conditions. ClinVar contains an entry for this variant (Variation ID: 1285224). For these reasons, this variant has been classified as Pathogenic.

Clinical Genetics DNA and cytogenetics Diagnostics Lab, Erasmus MC, Erasmus Medical Center
Classification: Pathogenic. Review status: no assertion criteria provided. Collection method: clinical testing. Allele origin: germline. Affected: yes. Study: VKGL Data-share Consensus. Not counted in ClinVar's aggregate classification.

Genome Diagnostics Laboratory, University Medical Center Utrecht
Classification: Pathogenic. Review status: no assertion criteria provided. Collection method: clinical testing. Allele origin: germline. Affected: yes. Study: VKGL Data-share Consensus. Not counted in ClinVar's aggregate classification.

Literature cited by the submitters: PubMed 22095942 (cited by Labcorp Genetics (formerly Invitae), Labcorp).

NM_000789.4(ACE):c.2673_2674dup (p.Tyr892fs)

Gene: ACE (angiotensin I converting enzyme; plus strand). Cytogenetic location: 17q23.3.
Variant type: Duplication.
Coding change: c.2673_2674dup on transcript NM_000789.4 (MANE Select); coding-DNA positions 2673 to 2674, 2 bases duplicated (CT; older notation c.2673_2674dupCT).
Protein change: p.Tyr892fs; shifts the reading frame from tyrosine 892.
Molecular consequence: frameshift variant. On other transcripts: non-coding transcript variant (1).
Genome position (GRCh38, 1-based): chr17:63,490,985-63,490,986, CT duplicated; duplicating any 2 consecutive bases within chr17:63,490,984-63,490,986 gives the same sequence; the c. name uses the placement nearest the transcript's 3' end. VCF-style (leftmost placement, unchanged base first): chr17-63490983-A-ATC. GRCh37 (hg19) VCF-style: chr17-61568344-A-ATC.
Other names: c.951_952dup, p.Tyr318fs (NM_001178057.2, NM_152830.3); c.2106_2107dup, p.Tyr703fs (NM_001382700.1); c.1821_1822dup, p.Tyr608fs (NM_001382701.1); c.411_412dup, p.Tyr138fs (NM_001382702.1); short protein forms Y138fs, Y318fs, Y608fs, Y703fs, Y892fs.
Identifiers: ClinVar variation 1285224 (VCV001285224.5), dbSNP rs2030333357, ClinGen allele CA2269947003.